The following is an entry in ClinVar:

ClinVar aggregate classification (germline): Uncertain significance (1 of 4 stars; one submission).

Conditions:
Idiopathic generalized epilepsy. Also called: Generalised epilepsy; EIG. Identifiers: MedGen C0270850, MONDO:0005579, OMIM 600669.
Hyperaldosteronism, familial, type IV (HALD4). Also called: FH IV; ALDOSTERONISM, PRIMARY, AND HYPERTENSION. Identifiers: Orphanet 642671, MedGen C4310756, MONDO:0014875, OMIM 617027.

Submission:

Labcorp Genetics (formerly Invitae), Labcorp
Classification: Uncertain significance for Idiopathic generalized epilepsy; Hyperaldosteronism, familial, type IV. Last evaluated: 2022-11-04. Review status: criteria provided, single submitter. Criteria: Invitae Variant Classification Sherloc (09022015). Collection method: clinical testing. Allele origin: germline.
Comment: In summary, the available evidence is currently insufficient to determine the role of this variant in disease. Therefore, it has been classified as a Variant of Uncertain Significance. Experimental studies and prediction algorithms are not available or were not evaluated, and the functional significance of this variant is currently unknown. ClinVar contains an entry for this variant (Variation ID: 1016253). This variant has not been reported in the literature in individuals affected with CACNA1H-related conditions. This variant is present in population databases (rs773399229, gnomAD 0.03%). This variant, c.1785_1796del, results in the deletion of 4 amino acid(s) of the CACNA1H protein (p.Thr597_Ala600del), but otherwise preserves the integrity of the reading frame.

NM_021098.3(CACNA1H):c.1785_1796del (p.Thr597_Ala600del)

Gene: CACNA1H (calcium voltage-gated channel subunit alpha1 H; plus strand). Cytogenetic location: 16p13.3.
Variant type: Deletion.
Coding change: c.1785_1796del on transcript NM_021098.3 (MANE Select); coding-DNA positions 1785 to 1796, 12 bases deleted (AGCCACTGCCGC).
Protein change: p.Thr597_Ala600del.
Molecular consequence: inframe deletion.
Genome position (GRCh38, 1-based): chr16:1,202,235-1,202,246, AGCCACTGCCGC deleted; deleting any 12 consecutive bases within chr16:1,202,229-1,202,246 gives the same sequence; the c. name uses the placement nearest the transcript's 3' end. VCF-style (leftmost placement, unchanged base first): chr16-1202228-ATGCCGCAGCCAC-A. GRCh37 (hg19) VCF-style: chr16-1252228-ATGCCGCAGCCAC-A.
Other names: c.1785_1796del, p.Thr597_Ala600del (NM_001005407.2).
Identifiers: ClinVar variation 1016253 (VCV001016253.8), dbSNP rs773399229, ClinGen allele CA7800003.